The following is an entry in ClinVar:

NM_001197104.2(KMT2A):c.7699A>G (p.Asn2567Asp)

Gene: KMT2A (lysine methyltransferase 2A; plus strand). Cytogenetic location: 11q23.3.
Variant type: single nucleotide variant.
Coding change: c.7699A>G on transcript NM_001197104.2 (MANE Select); coding-DNA position 7699, A replaced by G.
Protein change: p.Asn2567Asp; replaces asparagine 2567 with aspartic acid.
Molecular consequence: missense variant.
Genome position (GRCh38, 1-based): chr11:118,503,591, A>G. VCF-style: chr11-118503591-A-G. GRCh37 (hg19) VCF-style: chr11-118374306-A-G.
Other names: c.7789A>G, p.Asn2597Asp (NM_001412597.1); c.7690A>G, p.Asn2564Asp (NM_005933.4); short protein forms N2567D, N2564D, N2597D.
Identifiers: ClinVar variation 2854340 (VCV002854340.3), dbSNP rs2497001794, ClinGen allele CA382806613.

ClinVar aggregate classification (germline): Uncertain significance (1 of 4 stars; one submission).

Submission:

Labcorp Genetics (formerly Invitae), Labcorp
Classification: Uncertain significance. Last evaluated: 2023-05-02. Review status: criteria provided, single submitter. Criteria: Invitae Variant Classification Sherloc (09022015). Collection method: clinical testing. Allele origin: germline.
Comment: In summary, the available evidence is currently insufficient to determine the role of this variant in disease. Therefore, it has been classified as a Variant of Uncertain Significance. Advanced modeling of protein sequence and biophysical properties (such as structural, functional, and spatial information, amino acid conservation, physicochemical variation, residue mobility, and thermodynamic stability) performed at Invitae indicates that this missense variant is not expected to disrupt KMT2A protein function. This variant has not been reported in the literature in individuals affected with KMT2A-related conditions. This variant is not present in population databases (gnomAD no frequency). This sequence change replaces asparagine, which is neutral and polar, with aspartic acid, which is acidic and polar, at codon 2567 of the KMT2A protein (p.Asn2567Asp).